The following is an entry in ClinVar:

NM_139321.3(ATRN):c.2177A>G (p.His726Arg)

Gene: ATRN (attractin; plus strand). Cytogenetic location: 20p13.
Variant type: single nucleotide variant.
Coding change: c.2177A>G on transcript NM_139321.3 (MANE Select); coding-DNA position 2177, A replaced by G.
Protein change: p.His726Arg; replaces histidine 726 with arginine.
Molecular consequence: missense variant.
Genome position (GRCh38, 1-based): chr20:3,575,911, A>G. VCF-style: chr20-3575911-A-G. GRCh37 (hg19) VCF-style: chr20-3556558-A-G.
Other names: c.1829A>G, p.His610Arg (NM_001207047.3); c.2177A>G, p.His726Arg (NM_001323332.2, NM_139322.4); c.2177A>G (NM_139321.2); short protein forms H610R, H726R.
Identifiers: ClinVar variation 1470115 (VCV001470115.10), dbSNP rs747209194, ClinGen allele CA9744239.

ClinVar aggregate classification (germline): Uncertain significance. Review status: criteria provided, multiple submitters, no conflicts (2 of 4 stars). 2 submissions from 2 submitters: Uncertain significance (2). Last evaluated 2025-07-05.

Allele frequency attached by ClinVar (database versions not stated): gnomAD 0.00006 and 0.00008; gnomAD exomes 0.00006 and 0.00007; ExAC 0.00011; TOPMed 0.00011.
gnomAD v4.1: 99 of 1,614,028 alleles (0.0061%); highest among the groups gnomAD compares: Middle Eastern, 0.099%; no homozygotes.

Submissions (2):

Labcorp Genetics (formerly Invitae), Labcorp
Classification: Uncertain significance. Last evaluated: 2025-07-05. Review status: criteria provided, single submitter. Criteria: Invitae Variant Classification Sherloc (09022015). Collection method: clinical testing. Allele origin: germline.
Comment: This sequence change replaces histidine, which is basic and polar, with arginine, which is basic and polar, at codon 726 of the ATRN protein (p.His726Arg). This variant is present in population databases (rs747209194, gnomAD 0.02%). This variant has not been reported in the literature in individuals affected with ATRN-related conditions. ClinVar contains an entry for this variant (Variation ID: 1470115). An algorithm developed to predict the effect of missense changes on protein structure and function (PolyPhen-2) suggests that this variant is likely to be tolerated. In summary, the available evidence is currently insufficient to determine the role of this variant in disease. Therefore, it has been classified as a Variant of Uncertain Significance.

Ambry Genetics
Classification: Uncertain significance. Last evaluated: 2024-09-10. Review status: criteria provided, single submitter. Criteria: Ambry Variant Classification Scheme 2023. Collection method: clinical testing. Allele origin: germline.